The following is an entry in ClinVar:

ClinVar aggregate classification (germline): Uncertain significance (1 of 4 stars; one submission).

Conditions:
Hereditary cancer-predisposing syndrome. Also called: Tumor predisposition; Hereditary neoplastic syndrome; Neoplastic Syndromes, Hereditary; Hereditary Cancer Syndrome. Identifiers: Orphanet 140162, MedGen C0027672, MeSH D009386, MONDO:0015356.

gnomAD v4.1: 1 of 1,613,698 alleles (0.000062%); no homozygotes.

Submission:

Ambry Genetics
Classification: Uncertain significance for Hereditary cancer-predisposing syndrome. Last evaluated: 2025-03-31. Review status: criteria provided, single submitter. Criteria: Ambry Variant Classification Scheme 2023. Collection method: clinical testing. Allele origin: germline.
Comment: The p.F876L variant (also known as c.2628T>G), located in coding exon 12 of the BLM gene, results from a T to G substitution at nucleotide position 2628. The phenylalanine at codon 876 is replaced by leucine, an amino acid with highly similar properties. This amino acid position is conserved. In addition, this alteration is predicted to be tolerated by in silico analysis. Based on the available evidence, the clinical significance of this variant remains unclear.

NM_000057.4(BLM):c.2628T>G (p.Phe876Leu)

Gene: BLM (BLM RecQ like helicase; plus strand). Cytogenetic location: 15q26.1.
Variant type: single nucleotide variant.
Coding change: c.2628T>G on transcript NM_000057.4 (MANE Select); coding-DNA position 2628, T replaced by G.
Protein change: p.Phe876Leu; replaces phenylalanine 876 with leucine.
Molecular consequence: missense variant.
Genome position (GRCh38, 1-based): chr15:90,782,894, T>G. VCF-style: chr15-90782894-T-G. GRCh37 (hg19) VCF-style: chr15-91326124-T-G.
Other names: c.2628T>G, p.Phe876Leu (NM_001287246.2, NM_001287247.2); c.1503T>G, p.Phe501Leu (NM_001287248.2); short protein forms F876L, F501L.
Identifiers: ClinVar variation 3991633 (VCV003991633.1).